The following is an entry in ClinVar:

NM_000091.5(COL4A3):c.1495G>A (p.Gly499Arg)

Genes: COL4A3 (collagen type IV alpha 3 chain; plus strand), MFF-DT (MFF divergent transcript; minus strand). Cytogenetic location: 2q36.3.
Variant type: single nucleotide variant.
Coding change: c.1495G>A on transcript NM_000091.5 (MANE Select); coding-DNA position 1495, G replaced by A.
Protein change: p.Gly499Arg; replaces glycine 499 with arginine.
Molecular consequence: missense variant.
Genome position (GRCh38, 1-based): chr2:227,267,079, G>A. VCF-style: chr2-227267079-G-A. GRCh37 (hg19) VCF-style: chr2-228131795-G-A.
Other names: short protein forms G499R.
Identifiers: ClinVar variation 2635499 (VCV002635499.1), dbSNP rs2469658167, ClinGen allele CA350870410.

ClinVar aggregate classification (germline): Likely pathogenic (1 of 4 stars; one submission).

Conditions:
COL4A3-related disorder. Also called: COL4A3-Related Disorders; COL4A3-related condition.

Submission:

PreventionGenetics, part of Exact Sciences
Classification: Likely pathogenic for COL4A3-related condition. Last evaluated: 2022-12-08. Review status: criteria provided, single submitter. Criteria: ACMG Guidelines, 2015. Collection method: clinical testing. Allele origin: germline.
Comment: The COL4A3 c.1495G>A variant is predicted to result in the amino acid substitution p.Gly499Arg. The p.Gly499 residue is located in the conserved triple helical domain, where substitutions of the glycine are usually pathogenic (UniProt residues 43-1438, Hudson et al. 1993. PubMed ID: 8253711). To our knowledge, this variant has not been reported in the literature or in a large population database, indicating this variant is rare. A different substitution at this position (p.Gly499Glu) has been reported in the compound heterozygous state in a patient with Alport syndrome (Zhang et al 2021. PubMed ID: 33772369). This variant is interpreted as likely pathogenic.